The following is an entry in ClinVar:

NM_002796.3(PSMB4):c.482C>T (p.Ala161Val)

Gene: PSMB4 (proteasome 20S subunit beta 4; plus strand). Cytogenetic location: 1q21.3.
Variant type: single nucleotide variant.
Coding change: c.482C>T on transcript NM_002796.3 (MANE Select); coding-DNA position 482, C replaced by T.
Protein change: p.Ala161Val; replaces alanine 161 with valine.
Molecular consequence: missense variant.
Genome position (GRCh38, 1-based): chr1:151,400,576, C>T. VCF-style: chr1-151400576-C-T. GRCh37 (hg19) VCF-style: chr1-151373052-C-T.
Other names: short protein forms A161V.
Identifiers: ClinVar variation 1370727 (VCV001370727.6), dbSNP rs778248319, ClinGen allele CA1090663.

ClinVar aggregate classification (germline): Uncertain significance (1 of 4 stars; one submission).

Allele frequency attached by ClinVar (database versions not stated): gnomAD 0.00001; gnomAD exomes 0.00001 and 0.00003; TOPMed 0.00001; ExAC 0.00002.
gnomAD v4.1: 4 of 1,614,044 alleles (0.00025%); highest among the groups gnomAD compares: East Asian, 0.0089%; no homozygotes.

Submission:

Labcorp Genetics (formerly Invitae), Labcorp
Classification: Uncertain significance. Last evaluated: 2022-03-19. Review status: criteria provided, single submitter. Criteria: Invitae Variant Classification Sherloc (09022015). Collection method: clinical testing. Allele origin: germline.
Comment: This sequence change replaces alanine, which is neutral and non-polar, with valine, which is neutral and non-polar, at codon 161 of the PSMB4 protein (p.Ala161Val). This variant is present in population databases (rs778248319, gnomAD 0.04%). This variant has not been reported in the literature in individuals affected with PSMB4-related conditions. Algorithms developed to predict the effect of missense changes on protein structure and function (SIFT, PolyPhen-2, Align-GVGD) all suggest that this variant is likely to be tolerated. In summary, the available evidence is currently insufficient to determine the role of this variant in disease. Therefore, it has been classified as a Variant of Uncertain Significance.